The following is an entry in ClinVar:

NM_198999.3(SLC26A5):c.1040C>A (p.Ala347Asp)

Gene: SLC26A5 (solute carrier family 26 member 5; minus strand). Cytogenetic location: 7q22.1.
Variant type: single nucleotide variant.
Coding change: c.1040C>A on transcript NM_198999.3 (MANE Select); coding-DNA position 1040, C replaced by A.
Protein change: p.Ala347Asp; replaces alanine 347 with aspartic acid.
Molecular consequence: missense variant. On other transcripts: non-coding transcript variant (3), intron variant (1).
Genome position (GRCh38, 1-based): chr7:103,392,998, G>T on the plus strand (C>A on the coding strand, the complement: SLC26A5 is on the minus strand). VCF-style: chr7-103392998-G-T. GRCh37 (hg19) VCF-style: chr7-103033445-G-T.
Other names: c.1040C>A, p.Ala347Asp (NM_001167962.2, NM_001321787.2, NM_206883.3 and 1 more transcripts); c.971+4934C>A (NM_206885.3); short protein forms A347D.
Identifiers: ClinVar variation 3345908 (VCV003345908.1).

ClinVar aggregate classification (germline): Uncertain significance (0 of 4 stars; one submission).

Conditions:
SLC26A5-related disorder. Also called: SLC26A5-related condition.

Submission:

PreventionGenetics, part of Exact Sciences
Classification: Uncertain significance for SLC26A5-related condition. Last evaluated: 2024-09-18. Review status: no assertion criteria provided. Collection method: clinical testing. Allele origin: germline.
Comment: The SLC26A5 c.1040C>A variant is predicted to result in the amino acid substitution p.Ala347Asp. To our knowledge, this variant has not been reported in the literature or in a large population database, indicating this variant is rare. At this time, the clinical significance of this variant is uncertain due to the absence of conclusive functional and genetic evidence.